The following is an entry in ClinVar:

NM_001458.5(FLNC):c.8028G>C (p.Lys2676Asn)

Genes: FLNC (filamin C; plus strand), FLNC-AS1 (FLNC antisense RNA 1; minus strand). Cytogenetic location: 7q32.1.
Variant type: single nucleotide variant.
Coding change: c.8028G>C on transcript NM_001458.5 (MANE Select); coding-DNA position 8028, G replaced by C.
Protein change: p.Lys2676Asn; replaces lysine 2676 with asparagine.
Molecular consequence: missense variant.
Genome position (GRCh38, 1-based): chr7:128,858,373, G>C. VCF-style: chr7-128858373-G-C. GRCh37 (hg19) VCF-style: chr7-128498427-G-C.
Other names: c.7929G>C, p.Lys2643Asn (NM_001127487.2); short protein forms K2643N, K2676N.
Identifiers: ClinVar variation 5021964 (VCV005021964.1).

ClinVar aggregate classification (germline): Uncertain significance (1 of 4 stars; one submission).

Conditions:
Cardiovascular phenotype. Identifiers: MedGen CN230736.

gnomAD v4.1: 1 of 1,574,772 alleles (0.000064%); highest among the groups gnomAD compares: Non-Finnish European, 0.000087%; no homozygotes.

Submission:

Ambry Genetics
Classification: Uncertain significance for Cardiovascular phenotype. Last evaluated: 2026-08-19. Review status: criteria provided, single submitter. Criteria: Ambry Variant Classification Scheme 2023. Collection method: clinical testing. Allele origin: germline.
Comment: The p.K2676N variant (also known as c.8028G>C), located in coding exon 48 of the FLNC gene, results from a G to C substitution at nucleotide position 8028. The lysine at codon 2676 is replaced by asparagine, an amino acid with similar properties. This amino acid position is conserved. In addition, this alteration is predicted to be tolerated by in silico analysis. Based on the available evidence, the clinical significance of this variant remains unclear.